The following is an entry in ClinVar:

ClinVar aggregate classification (germline): Uncertain significance (1 of 4 stars; one submission).

Conditions:
Familial melanoma. Also called: Hereditary melanoma; Hereditary cutaneous melanoma. Identifiers: Orphanet 618, MedGen C1512419, MONDO:0018961.

Submission:

Labcorp Genetics (formerly Invitae), Labcorp
Classification: Uncertain significance for Familial melanoma. Last evaluated: 2023-02-05. Review status: criteria provided, single submitter. Criteria: Invitae Variant Classification Sherloc (09022015). Collection method: clinical testing. Allele origin: unknown.
Comment: This variant is a gross deletion of the genomic region encompassing exon(s) 8 of the CDK4 gene, which includes the termination codon. This deletion extends beyond the assayed region for this gene and therefore may encompass additional genes. While this deletion is not anticipated to lead to nonsense mediated decay, it is expected to alter mRNA translation or result in a truncated protein product. This variant has not been reported in the literature in individuals affected with CDK4-related conditions. Experimental studies and prediction algorithms are not available or were not evaluated, and the functional significance of this variant is currently unknown. In summary, the available evidence is currently insufficient to determine the role of this variant in disease. Therefore, it has been classified as a Variant of Uncertain Significance.

NC_000012.11:g.(?_58142308)_(58142410_?)del

Gene: CDK4 (cyclin dependent kinase 4; minus strand). Cytogenetic location: 12q14.1.
Variant type: Deletion.
Identifiers: ClinVar variation 3244286 (VCV003244286.1).